The following is an entry in ClinVar:

NM_020778.5(ALPK3):c.4117G>A (p.Glu1373Lys)

Gene: ALPK3 (alpha kinase 3; plus strand). Cytogenetic location: 15q25.3.
Variant type: single nucleotide variant.
Coding change: c.4117G>A on transcript NM_020778.5 (MANE Select); coding-DNA position 4117, G replaced by A.
Protein change: p.Glu1373Lys; replaces glutamic acid 1373 with lysine.
Molecular consequence: missense variant.
Genome position (GRCh38, 1-based): chr15:84,860,060, G>A. VCF-style: chr15-84860060-G-A. GRCh37 (hg19) VCF-style: chr15-85403291-G-A.
Other names: short protein forms E1373K.
Identifiers: ClinVar variation 3665214 (VCV003665214.2).

ClinVar aggregate classification (germline): Uncertain significance (1 of 4 stars; one submission).

Submission:

Labcorp Genetics (formerly Invitae), Labcorp
Classification: Uncertain significance. Last evaluated: 2024-10-23. Review status: criteria provided, single submitter. Criteria: Invitae Variant Classification Sherloc (09022015). Collection method: clinical testing. Allele origin: germline.
Comment: This sequence change replaces glutamic acid, which is acidic and polar, with lysine, which is basic and polar, at codon 1575 of the ALPK3 protein (p.Glu1575Lys). This variant is not present in population databases (gnomAD no frequency). This variant has not been reported in the literature in individuals affected with ALPK3-related conditions. Invitae Evidence Modeling of protein sequence and biophysical properties (such as structural, functional, and spatial information, amino acid conservation, physicochemical variation, residue mobility, and thermodynamic stability) indicates that this missense variant is expected to disrupt ALPK3 protein function with a positive predictive value of 80%. In summary, the available evidence is currently insufficient to determine the role of this variant in disease. Therefore, it has been classified as a Variant of Uncertain Significance.